The following is an entry in ClinVar:

ClinVar aggregate classification (germline): Uncertain significance (1 of 4 stars; one submission).

Conditions:
Zinc deficiency, transient neonatal (TNZD). Also called: ZINC DEFICIENCY, NEONATAL, DUE TO LOW BREAST MILK ZINC. Identifiers: MedGen C1842486, MONDO:0011973, OMIM 608118.

Allele frequency attached by ClinVar (database versions not stated): gnomAD exomes 0.00001 and 0.00002; ExAC 0.00002; TOPMed 0.00002; gnomAD 0.00003.
gnomAD v4.1: 26 of 1,614,104 alleles (0.0016%); highest among the groups gnomAD compares: South Asian, 0.0022%; no homozygotes.

Submission:

Baylor Genetics
Classification: Uncertain significance for Zinc deficiency, transient neonatal. Last evaluated: 2018-06-20. Review status: criteria provided, single submitter. Criteria: ACMG Guidelines, 2015. Collection method: clinical testing. Allele origin: maternal. Affected: yes.
Comment: This variant was determined to be of uncertain significance according to ACMG Guidelines, 2015 [PMID:25741868].

NM_001004434.3(SLC30A2):c.215G>A (p.Arg72His)

Gene: SLC30A2 (solute carrier family 30 member 2; minus strand). Cytogenetic location: 1p36.11.
Variant type: single nucleotide variant.
Coding change: c.215G>A on transcript NM_001004434.3 (MANE Select); coding-DNA position 215, G replaced by A.
Protein change: p.Arg72His; replaces arginine 72 with histidine.
Molecular consequence: missense variant.
Genome position (GRCh38, 1-based): chr1:26,045,053, C>T on the plus strand (G>A on the coding strand, the complement: SLC30A2 is on the minus strand). VCF-style: chr1-26045053-C-T. GRCh37 (hg19) VCF-style: chr1-26371544-C-T.
Other names: c.215G>A, p.Arg72His (NM_032513.5); short protein forms R72H.
Identifiers: ClinVar variation 1032512 (VCV001032512.1), dbSNP rs368255248, ClinGen allele CA699358.